The following is an entry in ClinVar:

ClinVar aggregate classification (germline): Uncertain significance (1 of 4 stars; one submission).

Conditions:
Inborn genetic diseases. Identifiers: MedGen C0950123, MeSH D030342.

Submission:

Ambry Genetics
Classification: Uncertain significance for Inborn genetic diseases. Last evaluated: 2024-06-08. Review status: criteria provided, single submitter. Criteria: Ambry Variant Classification Scheme 2023. Collection method: clinical testing. Allele origin: germline.
Comment: The p.I2624T variant (also known as c.7871T>C), located in coding exon 47 of the ATR gene, results from a T to C substitution at nucleotide position 7871. The isoleucine at codon 2624 is replaced by threonine, an amino acid with similar properties. This amino acid position is conserved. In addition, this alteration is predicted to be deleterious by in silico analysis. Based on the available evidence, the clinical significance of this variant remains unclear.

NM_001184.4(ATR):c.7871T>C (p.Ile2624Thr)

Gene: ATR (ATR serine/threonine kinase; minus strand). Cytogenetic location: 3q23.
Variant type: single nucleotide variant.
Coding change: c.7871T>C on transcript NM_001184.4 (MANE Select); coding-DNA position 7871, T replaced by C.
Protein change: p.Ile2624Thr; replaces isoleucine 2624 with threonine.
Molecular consequence: missense variant.
Genome position (GRCh38, 1-based): chr3:142,449,493, A>G on the plus strand (T>C on the coding strand, the complement: ATR is on the minus strand). VCF-style: chr3-142449493-A-G. GRCh37 (hg19) VCF-style: chr3-142168335-A-G.
Other names: c.7679T>C, p.Ile2560Thr (NM_001354579.2); short protein forms I2624T, I2560T.
Identifiers: ClinVar variation 3330518 (VCV003330518.1).